The following is an entry in ClinVar:

NM_006939.4(SOS2):c.88-10T>C

Gene: SOS2 (SOS Ras/Rho guanine nucleotide exchange factor 2; minus strand). Cytogenetic location: 14q21.3.
Variant type: single nucleotide variant.
Coding change: c.88-10T>C on transcript NM_006939.4 (MANE Select); 10 bases into the intron before coding-DNA position 88, T replaced by C.
Molecular consequence: intron variant.
Genome position (GRCh38, 1-based): chr14:50,204,419, A>G on the plus strand (T>C on the coding strand, the complement: SOS2 is on the minus strand). VCF-style: chr14-50204419-A-G. GRCh37 (hg19) VCF-style: chr14-50671137-A-G.
Other names: c.88-10T>C (NM_006939.3).
Identifiers: ClinVar variation 1554694 (VCV001554694.10), dbSNP rs777771034, ClinGen allele CA7177615.
Genomic context (GRCh38, chr14:50,204,419, plus strand): 5'-ATAGAGAGACTCTTCATTAGCTGAGAGAGTGGGATGCACTTGTTCCTGAACCTTTAAAAA[A>G]AAGTTATCAGTTAAAGTAATGGCAAAATAATATAAATTGAACAAAAGTCAAAGAGAATCT-3'

ClinVar aggregate classification (germline): Likely benign. Review status: criteria provided, single submitter (1 of 4 stars). 2 submissions from 2 submitters: Likely benign (1). 1 of the submissions does not count toward it. Last evaluated 2025-12-31.

Conditions:
SOS2-related disorder. Also called: SOS2-related condition.
Noonan syndrome 9 (NS9). Identifiers: Orphanet 648, MedGen C4225282, MONDO:0014691, OMIM 616559.

Allele frequency attached by ClinVar (database versions not stated): gnomAD exomes below 0.00001; ExAC 0.00001; gnomAD 0.00008 and 0.00009; TOPMed 0.00013.
gnomAD v4.1: 17 of 1,527,252 alleles (0.0011%); highest among the groups gnomAD compares: African/African-American, 0.024%; 1 homozygote.

Submissions (2):

Labcorp Genetics (formerly Invitae), Labcorp
Classification: Likely benign for Noonan syndrome 9. Last evaluated: 2025-12-31. Review status: criteria provided, single submitter. Criteria: Invitae Variant Classification Sherloc (09022015). Collection method: clinical testing. Allele origin: germline.

PreventionGenetics, part of Exact Sciences
Classification: Likely benign for SOS2-related condition. Last evaluated: 2023-08-10. Review status: no assertion criteria provided. Collection method: clinical testing. Allele origin: germline. Not counted in ClinVar's aggregate classification.
Comment: This variant is classified as likely benign based on ACMG/AMP sequence variant interpretation guidelines (Richards et al. 2015 PMID: 25741868, with internal and published modifications).